The following is an entry in ClinVar:

ClinVar aggregate classification (germline): Pathogenic/Likely pathogenic. Review status: criteria provided, multiple submitters, no conflicts (2 of 4 stars). 4 submissions from 4 submitters: Pathogenic (2); Likely pathogenic (2). Last evaluated 2026-08-25.

Conditions:
ABCA4-related disorder. Also called: ABCA4-related disorders; ABCA4-related condition. Identifiers: MedGen CN239167.
Stargardt disease (FFM). Also called: Fundus flavimaculatus; Stargardt's disease. Identifiers: Orphanet 827, MedGen C0271093, MONDO:0019353.

Submissions (4):

GeneDx
Classification: Likely pathogenic. Last evaluated: 2026-08-25. Review status: criteria provided, single submitter. Criteria: GeneDx Variant Classification Process June 2021. Collection method: clinical testing. Allele origin: germline.
Comment: Canonical splice site variant predicted to result in an in-frame loss of the adjacent exon in a gene for which loss of function is a known mechanism of disease; Not observed at significant frequency in large population cohorts (gnomAD); This variant is associated with the following publications: (PMID: 35120629, 24409374, 21911583)

Lab De Baere, Eye and Developmental Genetics Lab, Ghent University
Classification: Pathogenic for Stargardt disease. Last evaluated: 2024-10-01. Review status: criteria provided, single submitter. Criteria: ACMG Guidelines, 2015. Collection method: research. Allele origin: inherited. Affected: yes. Observed: 1 variant allele.
Comment: ACMG/AMP guidelines: PM2, PP4_PP, PVS1, PP1, PM3_2

Blueprint Genetics
Classification: Likely pathogenic for ABCA4-related disorders. Last evaluated: 2022-09-23. Review status: criteria provided, single submitter. Criteria: ACMG Guidelines, 2015. Collection method: clinical testing. Allele origin: germline. Affected: yes. Observed: 4 variant alleles.

Labcorp Genetics (formerly Invitae), Labcorp
Classification: Pathogenic. Last evaluated: 2022-07-26. Review status: criteria provided, single submitter. Criteria: Invitae Variant Classification Sherloc (09022015). Collection method: clinical testing. Allele origin: germline.
Comment: ClinVar contains an entry for this variant (Variation ID: 961758). For these reasons, this variant has been classified as Pathogenic. Algorithms developed to predict the effect of sequence changes on RNA splicing suggest that this variant may disrupt the consensus splice site. Disruption of this splice site has been observed in individual(s) with inherited retinal disease and/or Stargardt disease (PMID: 21911583; Invitae). This variant is not present in population databases (gnomAD no frequency). This sequence change affects a donor splice site in intron 15 of the ABCA4 gene. It is expected to disrupt RNA splicing. Variants that disrupt the donor or acceptor splice site typically lead to a loss of protein function (PMID: 16199547), and loss-of-function variants in ABCA4 are known to be pathogenic (PMID: 10958761, 24938718, 25312043, 26780318).

Literature cited by the submitters: PubMed 21911583 (cited by Labcorp Genetics (formerly Invitae), Labcorp); PubMed 16199547 (cited by Labcorp Genetics (formerly Invitae), Labcorp); PubMed 10958761 (cited by Labcorp Genetics (formerly Invitae), Labcorp); PubMed 24938718 (cited by Labcorp Genetics (formerly Invitae), Labcorp); PubMed 25312043 (cited by Labcorp Genetics (formerly Invitae), Labcorp); PubMed 26780318 (cited by Labcorp Genetics (formerly Invitae), Labcorp).

NM_000350.3(ABCA4):c.2382+1G>A

Gene: ABCA4 (ATP binding cassette subfamily A member 4; minus strand). Cytogenetic location: 1p22.1.
Variant type: single nucleotide variant.
Coding change: c.2382+1G>A on transcript NM_000350.3 (MANE Select); the canonical splice donor site of the intron after coding-DNA position 2382, G replaced by A.
Molecular consequence: splice donor variant.
Genome position (GRCh38, 1-based): chr1:94,056,600, C>T on the plus strand (G>A on the coding strand, the complement: ABCA4 is on the minus strand). VCF-style: chr1-94056600-C-T. GRCh37 (hg19) VCF-style: chr1-94522156-C-T.
Identifiers: ClinVar variation 961758 (VCV000961758.15), dbSNP rs1660983058, ClinGen allele CA341277650.